The following is an entry in ClinVar:

ClinVar aggregate classification (germline): Uncertain significance. Review status: criteria provided, multiple submitters, no conflicts (2 of 4 stars). 2 submissions from 2 submitters: Uncertain significance (2). Last evaluated 2025-05-17.

Conditions:
Inborn genetic diseases. Identifiers: MedGen C0950123, MeSH D030342.

gnomAD v4.1: 2 of 1,610,678 alleles (0.00012%); highest among the groups gnomAD compares: Admixed American, 0.0033%; no homozygotes.

Submissions (2):

Ambry Genetics
Classification: Uncertain significance for Inborn genetic diseases. Last evaluated: 2025-05-17. Review status: criteria provided, single submitter. Criteria: Ambry Variant Classification Scheme 2023. Collection method: clinical testing. Allele origin: germline.

Labcorp Genetics (formerly Invitae), Labcorp
Classification: Uncertain significance. Last evaluated: 2025-05-12. Review status: criteria provided, single submitter. Criteria: Invitae Variant Classification Sherloc (09022015). Collection method: clinical testing. Allele origin: germline.
Comment: This sequence change replaces arginine, which is basic and polar, with lysine, which is basic and polar, at codon 172 of the PLD1 protein (p.Arg172Lys). This variant is present in population databases (rs759840625, gnomAD 0.006%). This variant has not been reported in the literature in individuals affected with PLD1-related conditions. Invitae Evidence Modeling of protein sequence and biophysical properties (such as structural, functional, and spatial information, amino acid conservation, physicochemical variation, residue mobility, and thermodynamic stability) indicates that this missense variant is not expected to disrupt PLD1 protein function with a negative predictive value of 80%. In summary, the available evidence is currently insufficient to determine the role of this variant in disease. Therefore, it has been classified as a Variant of Uncertain Significance.

NM_002662.5(PLD1):c.515G>A (p.Arg172Lys)

Gene: PLD1 (phospholipase D1; minus strand). Cytogenetic location: 3q26.31.
Variant type: single nucleotide variant.
Coding change: c.515G>A on transcript NM_002662.5 (MANE Select); coding-DNA position 515, G replaced by A.
Protein change: p.Arg172Lys; replaces arginine 172 with lysine.
Molecular consequence: missense variant.
Genome position (GRCh38, 1-based): chr3:171,734,890, C>T on the plus strand (G>A on the coding strand, the complement: PLD1 is on the minus strand). VCF-style: chr3-171734890-C-T. GRCh37 (hg19) VCF-style: chr3-171452680-C-T.
Other names: c.515G>A, p.Arg172Lys (NM_001130081.3); short protein forms R172K.
Identifiers: ClinVar variation 3933866 (VCV003933866.2).